The following is an entry in ClinVar:

NM_005228.5(EGFR):c.60_65dup (p.Ala21_Ser22insArgAla)

Gene: EGFR (epidermal growth factor receptor; plus strand). Cytogenetic location: 7p11.2.
Variant type: Duplication.
Coding change: c.60_65dup on transcript NM_005228.5 (MANE Select); coding-DNA positions 60 to 65, 6 bases duplicated (GGCGAG; older notation c.60_65dupGGCGAG).
Protein change: p.Ala21_Ser22insArgAla.
Molecular consequence: inframe insertion.
Genome position (GRCh38, 1-based): chr7:55,019,337-55,019,342, GGCGAG duplicated. VCF-style (leftmost placement, unchanged base first): chr7-55019336-C-CGGCGAG. GRCh37 (hg19) VCF-style: chr7-55087029-C-CGGCGAG.
Other names: c.60_65dup, p.Ala21_Ser22insArgAla (NM_001346897.2, NM_001346898.2, NM_001346899.2 and 4 more transcripts); c.60_65dupGGCGAG (NM_005228.3).
Identifiers: ClinVar variation 1445875 (VCV001445875.9), dbSNP rs2128853474, ClinGen allele CA2573142194.

ClinVar aggregate classification (germline): Uncertain significance. Review status: criteria provided, multiple submitters, no conflicts (2 of 4 stars). 2 submissions from 2 submitters: Uncertain significance (2). Last evaluated 2026-02-06.

Conditions:
Hereditary cancer-predisposing syndrome. Also called: Neoplastic Syndromes, Hereditary; Tumor predisposition; Hereditary Cancer Syndrome; Hereditary neoplastic syndrome. Identifiers: Orphanet 140162, MedGen C0027672, MeSH D009386, MONDO:0015356.
EGFR-related lung cancer (EGFR). Identifiers: MedGen CN130014.

Submissions (2):

Ambry Genetics
Classification: Uncertain significance for Hereditary cancer-predisposing syndrome. Last evaluated: 2026-02-06. Review status: criteria provided, single submitter. Criteria: Ambry Variant Classification Scheme 2023. Collection method: clinical testing. Allele origin: germline.
Comment: The c.60_65dupGGCGAG variant (also known as p.A21_S22insRA), located in coding exon 1 of the EGFR gene, results from an in-frame duplication of GGCGAG at nucleotide positions 60 to 65. This results in the duplication of 2 extra residues (RA) between codons 21 and 22. This amino acid region is well conserved in available vertebrate species. In addition, this variant is predicted to be neutral by in silico analysis (Choi Y et al. PLoS ONE. 2012; 7(10):e46688). Based on the available evidence, the clinical significance of this variant remains unclear.

Labcorp Genetics (formerly Invitae), Labcorp
Classification: Uncertain significance for EGFR-related lung cancer. Last evaluated: 2021-07-17. Review status: criteria provided, single submitter. Criteria: Invitae Variant Classification Sherloc (09022015). Collection method: clinical testing. Allele origin: germline.
Comment: This variant is not present in population databases (ExAC no frequency). This variant, c.60_65dup, results in the insertion of 2 amino acid(s) to the EGFR protein (p.Ala21_Ser22insArgAla), but otherwise preserves the integrity of the reading frame. This variant has not been reported in the literature in individuals affected with EGFR-related conditions. In summary, the available evidence is currently insufficient to determine the role of this variant in disease. Therefore, it has been classified as a Variant of Uncertain Significance. Experimental studies and prediction algorithms are not available or were not evaluated, and the functional significance of this variant is currently unknown.